The following is an entry in ClinVar:

ClinVar aggregate classification (germline): Pathogenic. Review status: criteria provided, multiple submitters, no conflicts (2 of 4 stars). 2 submissions from 2 submitters: Pathogenic (2). Last evaluated 2023-07-20.

Conditions:
Von Hippel-Lindau syndrome (VHLS). Also called: von Hippel–Lindau syndrome; Von Hippel-Lindau; VHL syndrome. Identifiers: Orphanet 892, MedGen C0019562, MONDO:0008667, OMIM 193300. Disease mechanism: loss of function.

Submissions (2):

Myriad Genetics, Inc.
Classification: Pathogenic for Von Hippel-Lindau syndrome. Last evaluated: 2023-07-20. Review status: criteria provided, single submitter. Criteria: Myriad Autosomal Dominant, Autosomal Recessive and X-Linked Classification Criteria (2023). Collection method: clinical testing. Allele origin: unknown.
Comment: This variant is considered pathogenic. This variant creates a frameshift predicted to result in premature protein truncation.

Genomic Diagnostic Laboratory, Division of Genomic Diagnostics, Children's Hospital of Philadelphia
Classification: Pathogenic for von Hippel-Lindau syndrome. Last evaluated: 2018-08-01. Review status: criteria provided, single submitter. Criteria: DGD Variant Analysis Guidelines. Collection method: clinical testing. Allele origin: germline. Affected: yes. Observed: 1 variant allele.

NM_000551.4(VHL):c.381del (p.Leu128fs)

Genes: VHL (von Hippel-Lindau tumor suppressor; plus strand), LOC107303340 (3p25 von Hippel-Lindau tumor suppressor, E3 ubiquitin protein ligase Alu-mediated recombination region; plus strand). Cytogenetic location: 3p25.3.
Variant type: Deletion.
Coding change: c.381del on transcript NM_000551.4 (MANE Select); coding-DNA position 381, one base deleted (G; older notation c.381delG).
Protein change: p.Leu128fs; shifts the reading frame from leucine 128.
Molecular consequence: frameshift variant. On other transcripts: intron variant (2).
Genome position (GRCh38, 1-based): chr3:10,146,554, G deleted; the last of 3 consecutive G bases (chr3:10,146,552-10,146,554); deleting any one gives the same sequence. VCF-style (leftmost placement, unchanged base first): chr3-10146551-TG-T. GRCh37 (hg19) VCF-style: chr3-10188235-TG-T.
Other names: c.*18-3233del (NM_001354723.2); c.341-3233del (NM_198156.3); c.381delG (NM_000551.3); short protein forms L128fs.
Identifiers: ClinVar variation 625241 (VCV000625241.2), dbSNP rs1559428107, ClinGen allele CA432421821.
Genomic context (GRCh38, chr3:10,146,551, plus strand): 5'-ACAACCTTTGCTTGTCCCGATAGGTCACCTTTGGCTCTTCAGAGATGCAGGGACACACGA[TG>T]GGCTTCTGGTTAACCAAACTGAATTATTTGTGCCATCTCTCAATGTTGACGGACAGCCTA-3'